The following is an entry in ClinVar:

ClinVar aggregate classification (germline): Conflicting classifications of pathogenicity. Review status: criteria provided, conflicting classifications (1 of 4 stars). 3 submissions from 3 submitters: Uncertain significance (2); Likely benign (1). Last evaluated 2025-12-17.

Conditions:
Cardiovascular phenotype. Identifiers: MedGen CN230736.

Allele frequency attached by ClinVar (database versions not stated): ExAC 0.00001; gnomAD exomes 0.00001; TOPMed 0.00003; gnomAD 0.00006.
gnomAD v4.1: 23 of 1,614,008 alleles (0.0014%); highest among the groups gnomAD compares: African/African-American, 0.02%; no homozygotes.

Submissions (3):

Labcorp Genetics (formerly Invitae), Labcorp
Classification: Uncertain significance. Last evaluated: 2025-12-17. Review status: criteria provided, single submitter. Criteria: Invitae Variant Classification Sherloc (09022015). Collection method: clinical testing. Allele origin: germline.
Comment: This sequence change replaces glutamic acid, which is acidic and polar, with lysine, which is basic and polar, at codon 1639 of the ALPK3 protein (p.Glu1639Lys). This variant is present in population databases (rs747233148, gnomAD 0.01%). This variant has not been reported in the literature in individuals affected with ALPK3-related conditions. ClinVar contains an entry for this variant (Variation ID: 1311140). Invitae Evidence Modeling of protein sequence and biophysical properties (such as structural, functional, and spatial information, amino acid conservation, physicochemical variation, residue mobility, and thermodynamic stability) indicates that this missense variant is expected to disrupt ALPK3 protein function with a positive predictive value of 80%. In summary, the available evidence is currently insufficient to determine the role of this variant in disease. Therefore, it has been classified as a Variant of Uncertain Significance.

Ambry Genetics
Classification: Likely benign for Cardiovascular phenotype. Last evaluated: 2024-10-08. Review status: criteria provided, single submitter. Criteria: Ambry Variant Classification Scheme 2023. Collection method: clinical testing. Allele origin: germline.

GeneDx
Classification: Uncertain significance. Last evaluated: 2024-07-12. Review status: criteria provided, single submitter. Criteria: GeneDx Variant Classification Process June 2021. Collection method: clinical testing. Allele origin: germline. Affected: yes.
Comment: Has not been previously published as pathogenic or benign to our knowledge; Not observed at significant frequency in large population cohorts (gnomAD); In silico analysis indicates that this missense variant does not alter protein structure/function

NM_020778.5(ALPK3):c.4309G>A (p.Glu1437Lys)

Gene: ALPK3 (alpha kinase 3; plus strand). Cytogenetic location: 15q25.3.
Variant type: single nucleotide variant.
Coding change: c.4309G>A on transcript NM_020778.5 (MANE Select); coding-DNA position 4309, G replaced by A.
Protein change: p.Glu1437Lys; replaces glutamic acid 1437 with lysine.
Molecular consequence: missense variant.
Genome position (GRCh38, 1-based): chr15:84,862,814, G>A. VCF-style: chr15-84862814-G-A. GRCh37 (hg19) VCF-style: chr15-85406045-G-A.
Other names: short protein forms E1437K.
Identifiers: ClinVar variation 1311140 (VCV001311140.15), dbSNP rs747233148, ClinGen allele CA7709920.